The following is an entry in ClinVar:

ClinVar aggregate classification (germline): Uncertain significance (1 of 4 stars; one submission).

Submission:

Labcorp Genetics (formerly Invitae), Labcorp
Classification: Uncertain significance. Last evaluated: 2022-03-07. Review status: criteria provided, single submitter. Criteria: Invitae Variant Classification Sherloc (09022015). Collection method: clinical testing. Allele origin: germline.
Comment: This variant has not been reported in the literature in individuals affected with AP2S1-related conditions. This sequence change replaces arginine, which is basic and polar, with glutamine, which is neutral and polar, at codon 42 of the AP2S1 protein (p.Arg42Gln). This variant is not present in population databases (gnomAD no frequency). Algorithms developed to predict the effect of missense changes on protein structure and function (SIFT, PolyPhen-2, Align-GVGD) all suggest that this variant is likely to be disruptive. In summary, the available evidence is currently insufficient to determine the role of this variant in disease. Therefore, it has been classified as a Variant of Uncertain Significance.

NM_004069.6(AP2S1):c.125G>A (p.Arg42Gln)

Gene: AP2S1 (adaptor related protein complex 2 subunit sigma 1; minus strand). Cytogenetic location: 19q13.32.
Variant type: single nucleotide variant.
Coding change: c.125G>A on transcript NM_004069.6 (MANE Select); coding-DNA position 125, G replaced by A.
Protein change: p.Arg42Gln; replaces arginine 42 with glutamine.
Molecular consequence: missense variant.
Genome position (GRCh38, 1-based): chr19:46,846,021, C>T on the plus strand (G>A on the coding strand, the complement: AP2S1 is on the minus strand). VCF-style: chr19-46846021-C-T. GRCh37 (hg19) VCF-style: chr19-47349278-C-T.
Other names: c.173G>A, p.Arg58Gln (NM_001301076.3); c.125G>A, p.Arg42Gln (NM_001301078.3, NM_021575.5); c.131G>A, p.Arg44Gln (NM_001301081.3); short protein forms R44Q, R42Q, R58Q.
Identifiers: ClinVar variation 1408296 (VCV001408296.8), dbSNP rs2122792210, ClinGen allele CA406509769.